The following is an entry in ClinVar:

NM_002049.4(GATA1):c.68T>G (p.Leu23Arg)

Gene: GATA1 (GATA binding protein 1; plus strand). Cytogenetic location: Xp11.23.
Variant type: single nucleotide variant.
Coding change: c.68T>G on transcript NM_002049.4 (MANE Select); coding-DNA position 68, T replaced by G.
Protein change: p.Leu23Arg; replaces leucine 23 with arginine.
Molecular consequence: missense variant.
Genome position (GRCh38, 1-based): chrX:48,791,177, T>G. VCF-style: chrX-48791177-T-G. GRCh37 (hg19) VCF-style: chrX-48649584-T-G.
Other names: short protein forms L23R.
Identifiers: ClinVar variation 2931927 (VCV002931927.3), dbSNP rs2519343657, ClinGen allele CA412866812.

ClinVar aggregate classification (germline): Uncertain significance (1 of 4 stars; one submission).

Conditions:
Diamond-Blackfan anemia. Also called: Blackfan Diamond syndrome; Aregenerative anemia chronic congenital; Red cell aplasia, pure hereditary; Congenital hypoplastic anemia; Aase syndrome. Identifiers: Orphanet 124, MedGen C1260899, MeSH D029503, MONDO:0015253, HP:0004810.
GATA binding protein 1 related thrombocytopenia with dyserythropoiesis. Also called: GATA1-Related Cytopenia; GATA1-Related X-Linked Cytopenia. Identifiers: MedGen C1845837, MONDO:0100089.

Allele frequency attached by ClinVar (database versions not stated): gnomAD exomes below 0.00001.
gnomAD v4.1: 1 of 1,208,554 alleles (0.000083%); highest among the groups gnomAD compares: Non-Finnish European, 0.00011%; no homozygotes.

Submission:

Labcorp Genetics (formerly Invitae), Labcorp
Classification: Uncertain significance for GATA binding protein 1 related thrombocytopenia with dyserythropoiesis; Diamond-Blackfan anemia. Last evaluated: 2024-02-26. Review status: criteria provided, single submitter. Criteria: Invitae Variant Classification Sherloc (09022015). Collection method: clinical testing. Allele origin: germline.
Comment: This sequence change replaces leucine, which is neutral and non-polar, with arginine, which is basic and polar, at codon 23 of the GATA1 protein (p.Leu23Arg). This variant is not present in population databases (gnomAD no frequency). This variant has not been reported in the literature in individuals affected with GATA1-related conditions. An algorithm developed to predict the effect of missense changes on protein structure and function (PolyPhen-2) suggests that this variant is likely to be disruptive. In summary, the available evidence is currently insufficient to determine the role of this variant in disease. Therefore, it has been classified as a Variant of Uncertain Significance.